The following is an entry in ClinVar:

NM_001365536.1(SCN9A):c.484A>C (p.Ile162Leu)

Gene: SCN9A (sodium voltage-gated channel alpha subunit 9; minus strand). Cytogenetic location: 2q24.3.
Variant type: single nucleotide variant.
Coding change: c.484A>C on transcript NM_001365536.1 (MANE Select); coding-DNA position 484, A replaced by C.
Protein change: p.Ile162Leu; replaces isoleucine 162 with leucine.
Molecular consequence: missense variant.
Genome position (GRCh38, 1-based): chr2:166,305,904, T>G on the plus strand (A>C on the coding strand, the complement: SCN9A is on the minus strand). VCF-style: chr2-166305904-T-G. GRCh37 (hg19) VCF-style: chr2-167162414-T-G.
Other names: c.484A>C, p.Ile162Leu (NM_002977.4); short protein forms I162L.
Identifiers: ClinVar variation 2187615 (VCV002187615.5), dbSNP rs1249032423, ClinGen allele CA349095251.

ClinVar aggregate classification (germline): Uncertain significance. Review status: criteria provided, multiple submitters, no conflicts (2 of 4 stars). 2 submissions from 2 submitters: Uncertain significance (2). Last evaluated 2025-07-30.

Conditions:
Inborn genetic diseases. Identifiers: MedGen C0950123, MeSH D030342.
Neuropathy, hereditary sensory and autonomic, type 2A (HSAN2A). Also called: WNK1-Related HSAN2 (HSAN2A); MORVAN DISEASE; NEUROPATHY, CONGENITAL SENSORY; NEUROPATHY, HEREDITARY SENSORY RADICULAR, AUTOSOMAL RECESSIVE; NEUROPATHY, HEREDITARY SENSORY, TYPE IIA; NEUROPATHY, PROGRESSIVE SENSORY, OF CHILDREN. Identifiers: Orphanet 970, MedGen C2752089, MONDO:0024309, OMIM 201300.
Generalized epilepsy with febrile seizures plus, type 7 (GEFSP7). Also called: GEFS+, TYPE 7. Identifiers: Orphanet 36387, MedGen C2751778, MONDO:0013470, OMIM 613863.

Allele frequency attached by ClinVar (database versions not stated): gnomAD exomes below 0.00001; gnomAD 0.00001; TOPMed 0.00001.
gnomAD v4.1: 6 of 1,612,922 alleles (0.00037%); highest among the groups gnomAD compares: Non-Finnish European, 0.00051%; no homozygotes.

Submissions (2):

Labcorp Genetics (formerly Invitae), Labcorp
Classification: Uncertain significance for Neuropathy, hereditary sensory and autonomic, type 2A; Generalized epilepsy with febrile seizures plus, type 7. Last evaluated: 2025-07-30. Review status: criteria provided, single submitter. Criteria: Invitae Variant Classification Sherloc (09022015). Collection method: clinical testing. Allele origin: germline.
Comment: This sequence change replaces isoleucine, which is neutral and non-polar, with leucine, which is neutral and non-polar, at codon 162 of the SCN9A protein (p.Ile162Leu). This variant is not present in population databases (gnomAD no frequency). This variant has not been reported in the literature in individuals affected with SCN9A-related conditions. ClinVar contains an entry for this variant (Variation ID: 2187615). Invitae Evidence Modeling of protein sequence and biophysical properties (such as structural, functional, and spatial information, amino acid conservation, physicochemical variation, residue mobility, and thermodynamic stability) indicates that this missense variant is not expected to disrupt SCN9A protein function with a negative predictive value of 80%. In summary, the available evidence is currently insufficient to determine the role of this variant in disease. Therefore, it has been classified as a Variant of Uncertain Significance.

Ambry Genetics
Classification: Uncertain significance for Inborn genetic diseases. Last evaluated: 2024-05-30. Review status: criteria provided, single submitter. Criteria: Ambry Variant Classification Scheme 2023. Collection method: clinical testing. Allele origin: germline.